The following is an entry in ClinVar:

ClinVar aggregate classification (germline): Uncertain significance. Review status: criteria provided, multiple submitters, no conflicts (2 of 4 stars). 4 submissions from 4 submitters: Uncertain significance (4). Last evaluated 2025-09-25.

Conditions:
Inborn genetic diseases. Identifiers: MedGen C0950123, MeSH D030342.

Allele frequency attached by ClinVar (database versions not stated): ExAC 0.00002; gnomAD exomes 0.00002; gnomAD 0.00003; TOPMed 0.00003; ESP Exome Variant Server 0.00008.
gnomAD v4.1: 41 of 1,612,800 alleles (0.0025%); highest among the groups gnomAD compares: Middle Eastern, 0.049%; no homozygotes.

Submissions (4):

Ambry Genetics
Classification: Uncertain significance for Inborn genetic diseases. Last evaluated: 2025-09-25. Review status: criteria provided, single submitter. Criteria: Ambry Variant Classification Scheme 2023. Collection method: clinical testing. Allele origin: germline.

Mayo Clinic Laboratories, Mayo Clinic
Classification: Uncertain significance. Last evaluated: 2025-04-08. Review status: criteria provided, single submitter. Criteria: ACMG Guidelines, 2015. Collection method: clinical testing. Allele origin: germline. Observed: 1 variant allele.

Blueprint Genetics
Classification: Uncertain significance. Last evaluated: 2024-05-06. Review status: criteria provided, single submitter. Criteria: ACMG Guidelines, 2015. Collection method: clinical testing. Allele origin: germline.

Labcorp Genetics (formerly Invitae), Labcorp
Classification: Uncertain significance. Last evaluated: 2022-06-28. Review status: criteria provided, single submitter. Criteria: Invitae Variant Classification Sherloc (09022015). Collection method: clinical testing. Allele origin: germline.
Comment: This sequence change replaces arginine, which is basic and polar, with histidine, which is basic and polar, at codon 731 of the IARS2 protein (p.Arg731His). This variant is present in population databases (rs376310850, gnomAD 0.009%). This variant has not been reported in the literature in individuals affected with IARS2-related conditions. Algorithms developed to predict the effect of missense changes on protein structure and function are either unavailable or do not agree on the potential impact of this missense change (SIFT: "Deleterious"; PolyPhen-2: "Probably Damaging"; Align-GVGD: "Class C0"). In summary, the available evidence is currently insufficient to determine the role of this variant in disease. Therefore, it has been classified as a Variant of Uncertain Significance.

NM_018060.4(IARS2):c.2192G>A (p.Arg731His)

Gene: IARS2 (isoleucyl-tRNA synthetase 2, mitochondrial; plus strand). Cytogenetic location: 1q41.
Variant type: single nucleotide variant.
Coding change: c.2192G>A on transcript NM_018060.4 (MANE Select); coding-DNA position 2192, G replaced by A.
Protein change: p.Arg731His; replaces arginine 731 with histidine.
Molecular consequence: missense variant.
Genome position (GRCh38, 1-based): chr1:220,139,024, G>A. VCF-style: chr1-220139024-G-A. GRCh37 (hg19) VCF-style: chr1-220312366-G-A.
Other names: p.Arg731His; c.2192G>A (NM_018060.3); short protein forms R731H.
Identifiers: ClinVar variation 1465939 (VCV001465939.5), dbSNP rs376310850, ClinGen allele CA1401716.
Genomic context (GRCh38, chr1:220,139,024, plus strand): 5'-CCATTAGATTTTTTTAACTGCATATTTTTTCTTCCTATGAATAGCTTAGGAATACACTTC[G>A]CTTTCTTTTGGGAAATGTGGCTGATTTCAACCCAGAAACAGATTCCATCCCTGTAAACGA-3'
Protein context (NP_060530.3, residues 721-741): DDISKLRNTL[Arg731His]FLLGNVADFN